The following is an entry in ClinVar:

ClinVar aggregate classification (germline): Uncertain significance. Review status: reviewed by expert panel (3 of 4 stars). 2 submissions from 2 submitters: Uncertain significance (1). 1 of the submissions does not count toward it. Last evaluated 2024-07-11.

Conditions:
Hereditary thrombocytopenia and hematologic cancer predisposition syndrome. Identifiers: Orphanet 71290, MedGen CN281654, MONDO:0011071.

Submissions (2):

ClinGen Myeloid Malignancy Variant Curation Expert Panel
Classification: Uncertain significance for Hereditary thrombocytopenia and hematologic cancer predisposition syndrome. Last evaluated: 2024-07-11. Review status: reviewed by expert panel. Criteria: ClinGen MyeloMalig ACMG Specifications v2. Collection method: curation. Allele origin: germline. Inheritance: Autosomal dominant inheritance.
Comment: NM_001754.5(RUNX1):c.437A>T (p.Asn146Ile) is a missense variant affecting one of the residues within the Runt Homology Domain, but not a known hotspot residue (PM1_supporting). This variant is completely absent from all population databases with at least 20x coverage for RUNX1 (PM2_supporting). In summary, the clinical significance of this variant is uncertain. ACMG/AMP criteria applied, as specified by the Myeloid Malignancy Variant Curation Expert Panel for RUNX1: PM1_supporting, PM2_supporting.

PreventionGenetics, part of Exact Sciences
Classification: Uncertain significance. Last evaluated: 2018-03-05. Review status: criteria provided, single submitter. Criteria: ACMG Guidelines, 2015. Collection method: clinical testing. Allele origin: germline. Not counted in ClinVar's aggregate classification.

NM_001754.5(RUNX1):c.437A>T (p.Asn146Ile)

Genes: RUNX1-AS1 (RUNX1 antisense RNA 1; plus strand), RUNX1 (RUNX family transcription factor 1; minus strand). Cytogenetic location: 21q22.12.
Variant type: single nucleotide variant.
Coding change: c.437A>T on transcript NM_001754.5 (MANE Select); coding-DNA position 437, A replaced by T.
Protein change: p.Asn146Ile; replaces asparagine 146 with isoleucine.
Molecular consequence: missense variant.
Genome position (GRCh38, 1-based): chr21:34,880,628, T>A on the plus strand (A>T on the coding strand, the complement: RUNX1 is on the minus strand). VCF-style: chr21-34880628-T-A. GRCh37 (hg19) VCF-style: chr21-36252925-T-A.
Other names: NM_001754.5(RUNX1):c.437A>T; p.Asn146Ile; c.356A>T, p.Asn119Ile (NM_001001890.3, NM_001122607.2); short protein forms N146I, N119I.
Identifiers: ClinVar variation 561239 (VCV000561239.3), dbSNP rs1569079034, ClinGen allele CA410202611.
Genomic context (GRCh38, chr21:34,880,628, plus strand): 5'-CGACCGACAAACCTGAGGTCATTAAATCTTGCAACCTGGTTCTTCATGGCTGCGGTAGCA[T>A]TTCTCAGCTCAGCCGAGTAGTTTTCATCATTGCCAGCCATCACAGTGACCAGAGTGCCAT-3'
Protein context (NP_001745.2, residues 136-156): NDENYSAELR[Asn146Ile]ATAAMKNQVA